The following is an entry in ClinVar:

ClinVar aggregate classification (germline): Uncertain significance (1 of 4 stars; one submission).

Conditions:
Pitt-Hopkins-like syndrome 2 (PTHSL2). Identifiers: Orphanet 221150, Orphanet 600663, MedGen C3280479, MONDO:0013690, OMIM 614325.

Allele frequency attached by ClinVar (database versions not stated): gnomAD exomes below 0.00001.
gnomAD v4.1: 1 of 1,613,812 alleles (0.000062%); highest among the groups gnomAD compares: Non-Finnish European, 0.000085%; no homozygotes.

Submission:

Labcorp Genetics (formerly Invitae), Labcorp
Classification: Uncertain significance for Pitt-Hopkins-like syndrome 2. Last evaluated: 2022-02-03. Review status: criteria provided, single submitter. Criteria: Invitae Variant Classification Sherloc (09022015). Collection method: clinical testing. Allele origin: germline.
Comment: In summary, the available evidence is currently insufficient to determine the role of this variant in disease. Therefore, it has been classified as a Variant of Uncertain Significance. Algorithms developed to predict the effect of missense changes on protein structure and function (SIFT, PolyPhen-2, Align-GVGD) all suggest that this variant is likely to be tolerated. This variant has not been reported in the literature in individuals affected with NRXN1-related conditions. This variant is not present in population databases (gnomAD no frequency). This sequence change replaces threonine, which is neutral and polar, with alanine, which is neutral and non-polar, at codon 1379 of the NRXN1 protein (p.Thr1379Ala).

NM_001330078.2(NRXN1):c.4015A>G (p.Thr1339Ala)

Gene: NRXN1 (neurexin 1; minus strand). Cytogenetic location: 2p16.3.
Variant type: single nucleotide variant.
Coding change: c.4015A>G on transcript NM_001330078.2 (MANE Select); coding-DNA position 4015, A replaced by G.
Protein change: p.Thr1339Ala; replaces threonine 1339 with alanine.
Molecular consequence: missense variant.
Genome position (GRCh38, 1-based): chr2:50,053,384, T>C on the plus strand (A>G on the coding strand, the complement: NRXN1 is on the minus strand). VCF-style: chr2-50053384-T-C. GRCh37 (hg19) VCF-style: chr2-50280522-T-C.
Other names: c.4135A>G, p.Thr1379Ala (NM_001135659.3); c.3991A>G, p.Thr1331Ala (NM_001330077.2, NM_001330082.2); c.3859A>G, p.Thr1287Ala (NM_001330083.2); c.3949A>G, p.Thr1317Ala (NM_001330084.2); c.3988A>G, p.Thr1330Ala (NM_001330085.2); c.4015A>G, p.Thr1339Ala (NM_001330086.2); c.3814A>G, p.Thr1272Ala (NM_001330087.2, NM_001330096.2); c.3844A>G, p.Thr1282Ala (NM_001330088.2); and 6 more; short protein forms T1282A, T1330A, T1331A, T1292A, T1338A, T1339A, T1335A, T274A.
Identifiers: ClinVar variation 1346748 (VCV001346748.8), dbSNP rs77665267, ClinGen allele CA47835482.